The following is an entry in ClinVar:

NM_001122630.2(CDKN1C):c.174G>A (p.Met58Ile)

Gene: CDKN1C (cyclin dependent kinase inhibitor 1C; minus strand). Cytogenetic location: 11p15.4.
Variant type: single nucleotide variant.
Coding change: c.174G>A on transcript NM_001122630.2 (MANE Select); coding-DNA position 174, G replaced by A.
Protein change: p.Met58Ile; replaces methionine 58 with isoleucine.
Molecular consequence: missense variant.
Genome position (GRCh38, 1-based): chr11:2,885,283, C>T on the plus strand (G>A on the coding strand, the complement: CDKN1C is on the minus strand). VCF-style: chr11-2885283-C-T. GRCh37 (hg19) VCF-style: chr11-2906513-C-T.
Other names: c.207G>A, p.Met69Ile (NM_000076.2, NM_001362474.2); c.174G>A, p.Met58Ile (NM_001122631.2, NM_001362475.2); short protein forms M58I, M69I.
Identifiers: ClinVar variation 1413786 (VCV001413786.10), dbSNP rs2133785866, ClinGen allele CA379147393.
Genomic context (GRCh38, chr11:2,885,283, plus strand): 5'-CGCGGGCACCGAGTCGCTGTCCACTTCGGTCCACTGCAGGCGTCCAGGGCCCCGCAGCGG[C>T]ATGTCCTGCTGGAAGTCGTAATCCCAGCGGTTCTGGTCCTCGGCGTTCAGCTCGGCCAGG-3'
Protein context (NP_001116102.1, residues 48-68): NRWDYDFQQD[Met58Ile]PLRGPGRLQW

ClinVar aggregate classification (germline): Uncertain significance. Review status: criteria provided, multiple submitters, no conflicts (2 of 4 stars). 2 submissions from 2 submitters: Uncertain significance (2). Last evaluated 2021-06-17.

Conditions:
Beckwith-Wiedemann syndrome (BWS). Also called: Exomphalos macroglossia gigantism syndrome; EMG SYNDROME. Identifiers: Orphanet 116, MedGen C0004903, MONDO:0007534, OMIM 130650.
IMAGe syndrome. Also called: Intrauterine growth retardation, metaphyseal dysplasia, adrenal hypoplasia congenita, and genital anomalies; Intrauterine Growth Restriction, Metaphyseal Dysplasia, Adrenal Hypoplasia Congenita, and Genital Anomalies. Identifiers: Orphanet 85173, MedGen C1846009, MONDO:0013873, OMIM 614732.

Submissions (2):

New York Genome Center
Classification: Uncertain significance for Beckwith-Wiedemann syndrome; IMAGe syndrome. Last evaluated: 2021-06-17. Review status: criteria provided, single submitter. Criteria: NYGC Assertion Criteria 2020. Collection method: clinical testing. Allele origin: germline. Observed: 1 heterozygote. Study: CSER-NYCKidSeq.

Labcorp Genetics (formerly Invitae), Labcorp
Classification: Uncertain significance for Beckwith-Wiedemann syndrome. Last evaluated: 2020-11-20. Review status: criteria provided, single submitter. Criteria: Invitae Variant Classification Sherloc (09022015). Collection method: clinical testing. Allele origin: germline.
Comment: This sequence change replaces methionine with isoleucine at codon 69 of the CDKN1C protein (p.Met69Ile). The methionine residue is weakly conserved and there is a small physicochemical difference between methionine and isoleucine. This variant is not present in population databases (ExAC no frequency). This variant has not been reported in the literature in individuals with CDKN1C-related conditions. Algorithms developed to predict the effect of missense changes on protein structure and function (SIFT, PolyPhen-2, Align-GVGD) all suggest that this variant is likely to be tolerated, but these predictions have not been confirmed by published functional studies and their clinical significance is uncertain. In summary, the available evidence is currently insufficient to determine the role of this variant in disease. Therefore, it has been classified as a Variant of Uncertain Significance.